The following is an entry in ClinVar:

ClinVar aggregate classification (germline): Uncertain significance (1 of 4 stars; one submission).

Submission:

GeneDx
Classification: Uncertain significance. Last evaluated: 2026-03-29. Review status: criteria provided, single submitter. Criteria: GeneDx Variant Classification Process June 2021. Collection method: clinical testing. Allele origin: germline.
Comment: Not observed at significant frequency in large population cohorts (gnomAD); In silico analysis suggests that this missense variant does not alter protein structure/function; Has not been previously published as pathogenic or benign to our knowledge

NM_001348800.3(ZBTB20):c.1910G>A (p.Ser637Asn)

Gene: ZBTB20 (zinc finger and BTB domain containing 20; minus strand). Cytogenetic location: 3q13.31.
Variant type: single nucleotide variant.
Coding change: c.1910G>A on transcript NM_001348800.3 (MANE Select); coding-DNA position 1910, G replaced by A.
Protein change: p.Ser637Asn; replaces serine 637 with asparagine.
Molecular consequence: missense variant. On other transcripts: non-coding transcript variant (1).
Genome position (GRCh38, 1-based): chr3:114,339,321, C>T on the plus strand (G>A on the coding strand, the complement: ZBTB20 is on the minus strand). VCF-style: chr3-114339321-C-T. GRCh37 (hg19) VCF-style: chr3-114058168-C-T.
Other names: c.1910G>A, p.Ser637Asn (NM_001164342.2, NM_001348803.3, NM_001393393.1 and 1 more transcripts); c.1691G>A, p.Ser564Asn (NM_001164343.2, NM_001164344.4, NM_001164345.4 and 9 more transcripts); short protein forms S564N, S637N.
Identifiers: ClinVar variation 5017877 (VCV005017877.1).